The following is an entry in ClinVar:

NM_175737.4(KLB):c.2290T>C (p.Phe764Leu)

Gene: KLB (klotho beta; plus strand). Cytogenetic location: 4p14.
Variant type: single nucleotide variant.
Coding change: c.2290T>C on transcript NM_175737.4 (MANE Select); coding-DNA position 2290, T replaced by C.
Protein change: p.Phe764Leu; replaces phenylalanine 764 with leucine.
Molecular consequence: missense variant.
Genome position (GRCh38, 1-based): chr4:39,447,016, T>C. VCF-style: chr4-39447016-T-C. GRCh37 (hg19) VCF-style: chr4-39448636-T-C.
Other names: short protein forms F764L.
Identifiers: ClinVar variation 2792899 (VCV002792899.3), dbSNP rs2474965193, ClinGen allele CA356657730.
Genomic context (GRCh38, chr4:39,447,016, plus strand): 5'-GCGGACTGGGCGGAACCCGCCAACCCCTATGCTGACTCGCACTGGAGGGCGGCCGAGCGC[T>C]TCCTGCAGTTCGAGATCGCCTGGTTCGCCGAGCCGCTCTTCAAGACCGGGGACTACCCCG-3'
Protein context (NP_783864.1, residues 754-774): ADSHWRAAER[Phe764Leu]LQFEIAWFAE

ClinVar aggregate classification (germline): Uncertain significance (1 of 4 stars; one submission).

Submission:

Labcorp Genetics (formerly Invitae), Labcorp
Classification: Uncertain significance. Last evaluated: 2023-10-29. Review status: criteria provided, single submitter. Criteria: Invitae Variant Classification Sherloc (09022015). Collection method: clinical testing. Allele origin: germline.
Comment: This sequence change replaces phenylalanine, which is neutral and non-polar, with leucine, which is neutral and non-polar, at codon 764 of the KLB protein (p.Phe764Leu). This variant is not present in population databases (gnomAD no frequency). This variant has not been reported in the literature in individuals affected with KLB-related conditions. Advanced modeling of protein sequence and biophysical properties (such as structural, functional, and spatial information, amino acid conservation, physicochemical variation, residue mobility, and thermodynamic stability) performed at Invitae indicates that this missense variant is not expected to disrupt KLB protein function with a negative predictive value of 80%. In summary, the available evidence is currently insufficient to determine the role of this variant in disease. Therefore, it has been classified as a Variant of Uncertain Significance.